The following is an entry in ClinVar:

ClinVar aggregate classification (germline): Conflicting classifications of pathogenicity. Review status: criteria provided, conflicting classifications (1 of 4 stars). 2 submissions from 2 submitters: Uncertain significance (1); Likely benign (1). Last evaluated 2026-01-26.

Allele frequency attached by ClinVar (database versions not stated): ESP Exome Variant Server 0.00046; 1000 Genomes Project 30x 0.00047.

Submissions (2):

GeneDx
Classification: Uncertain significance. Last evaluated: 2026-01-26. Review status: criteria provided, single submitter. Criteria: GeneDx Variant Classification Process June 2021. Collection method: clinical testing. Allele origin: germline. Affected: yes.
Comment: Has not been previously published as pathogenic or benign to our knowledge; In silico analysis indicates that this variant does not alter splicing

Labcorp Genetics (formerly Invitae), Labcorp
Classification: Likely benign. Last evaluated: 2026-01-22. Review status: criteria provided, single submitter. Criteria: Invitae Variant Classification Sherloc (09022015). Collection method: clinical testing. Allele origin: germline.

NM_194248.3(OTOF):c.5479C>A (p.Arg1827=)

Gene: OTOF (otoferlin; minus strand). Cytogenetic location: 2p23.3.
Variant type: single nucleotide variant.
Coding change: c.5479C>A on transcript NM_194248.3 (MANE Select); coding-DNA position 5479, C replaced by A.
Protein change: p.Arg1827=; no amino-acid change (arginine 1827 retained).
Molecular consequence: synonymous variant.
Genome position (GRCh38, 1-based): chr2:26,461,750, G>T on the plus strand (C>A on the coding strand, the complement: OTOF is on the minus strand). VCF-style: chr2-26461750-G-T. GRCh37 (hg19) VCF-style: chr2-26684618-G-T.
Other names: c.5479C>A, p.Arg1827= (NM_001287489.2); c.3178C>A, p.Arg1060= (NM_004802.4, NM_194323.3); c.3409C>A, p.Arg1137= (NM_194322.3).
Identifiers: ClinVar variation 1194286 (VCV001194286.9), dbSNP rs142748621, ClinGen allele CA1562810.